The following is an entry in ClinVar:

ClinVar aggregate classification (germline): Conflicting classifications of pathogenicity. Review status: criteria provided, conflicting classifications (1 of 4 stars). 6 submissions from 6 submitters: Uncertain significance (1); Likely benign (5). Last evaluated 2025-11-05.

Conditions:
Charcot-Marie-Tooth disease type 2. Also called: Charcot-Marie-Tooth type 2. Identifiers: Orphanet 64746, MedGen C0270914, MONDO:0018993.
Primary dilated cardiomyopathy (DCM). Also called: Dilated Cardiomyopathy. Identifiers: Orphanet 217604, MedGen C0007193, MeSH D002311, MONDO:0005021, HP:0001644. Inheritance: Various modes of inheritance.
Cardiovascular phenotype. Identifiers: MedGen CN230736.
Cardiomyopathy (CMYO). Also called: Cardiomyopathies. Identifiers: Orphanet 167848, MedGen C0878544, MONDO:0004994, HP:0001638. Inheritance: Various modes of inheritance.

Allele frequency attached by ClinVar (database versions not stated): gnomAD exomes below 0.00001 and 0.00001; TOPMed 0.00001.
gnomAD v4.1: 11 of 1,607,650 alleles (0.00068%); highest among the groups gnomAD compares: Middle Eastern, 0.017%; no homozygotes.

Submissions (6):

Women's Health and Genetics/Laboratory Corporation of America, LabCorp
Classification: Likely benign. Last evaluated: 2025-11-05. Review status: criteria provided, single submitter. Criteria: LabCorp Variant Classification Summary - May 2015. Collection method: clinical testing. Allele origin: germline.

Labcorp Genetics (formerly Invitae), Labcorp
Classification: Likely benign for Charcot-Marie-Tooth disease type 2. Last evaluated: 2025-05-28. Review status: criteria provided, single submitter. Criteria: Invitae Variant Classification Sherloc (09022015). Collection method: clinical testing. Allele origin: germline.

All of Us Research Program, National Institutes of Health
Classification: Likely benign for Primary dilated cardiomyopathy. Last evaluated: 2023-10-02. Review status: criteria provided, single submitter. Criteria: ACMG Guidelines, 2015. Collection method: clinical testing. Allele origin: germline. Inheritance: Autosomal dominant inheritance. Observed: 3 variant alleles, 3 heterozygotes.
Comment: This study involves interpretation of variants in research participants for the purpose of population health screening. Participant phenotype was not available at the time of variant classification. Additional details can be found in publication PMID: 35346344, PMCID: PMC8962531

Ambry Genetics
Classification: Uncertain significance for Cardiovascular phenotype. Last evaluated: 2021-11-29. Review status: criteria provided, single submitter. Criteria: Ambry Variant Classification Scheme 2023. Collection method: clinical testing. Allele origin: germline.
Comment: The c.346C>T variant (also known as p.L116L), located in coding exon 1 of the LMNA gene, results from a C to T substitution at nucleotide position 346. This nucleotide substitution does not change the leucine at codon 116. This nucleotide position is highly conserved in available vertebrate species. In silico splice site analysis for this alteration is inconclusive. Since supporting evidence is limited at this time, the clinical significance of this alteration remains unclear.

Color Diagnostics, LLC DBA Color Health
Classification: Likely benign for Cardiomyopathy. Last evaluated: 2018-07-22. Review status: criteria provided, single submitter. Criteria: ACMG Guidelines, 2015. Collection method: clinical testing. Allele origin: germline.

Laboratory for Molecular Medicine, Mass General Brigham Personalized Medicine
Classification: Likely benign. Last evaluated: 2015-05-28. Review status: criteria provided, single submitter. Criteria: LMM Criteria. Collection method: clinical testing. Allele origin: germline. Observed: 1 variant allele.
Comment: p.Leu116Leu in exon 1 of LMNA: This variant is not expected to have clinical sig nificance because it does not alter an amino acid residue and is not located wit hin the splice consensus sequence.

NM_170707.4(LMNA):c.346C>T (p.Leu116=)

Gene: LMNA (lamin A/C; plus strand). Cytogenetic location: 1q22.
Variant type: single nucleotide variant.
Coding change: c.346C>T on transcript NM_170707.4 (MANE Select); coding-DNA position 346, C replaced by T.
Protein change: p.Leu116=; no amino-acid change (leucine 116 retained).
Molecular consequence: synonymous variant.
Genome position (GRCh38, 1-based): chr1:156,115,264, C>T. VCF-style: chr1-156115264-C-T. GRCh37 (hg19) VCF-style: chr1-156085055-C-T.
Other names: c.346C>T, p.Leu116= (NM_001282625.2, NM_001282626.2, NM_005572.4 and 1 more transcripts).
Identifiers: ClinVar variation 227506 (VCV000227506.20), dbSNP rs876657491, ClinGen allele CA10576363.
Genomic context (GRCh38, chr1:156,115,264, plus strand): 5'-GCCAAGGAGCGCGCCCGCCTGCAGCTGGAGCTGAGCAAAGTGCGTGAGGAGTTTAAGGAG[C>T]TGAAAGCGCGGTGAGTTCGCCCAGGTGGCTGCGTGCCTGGCGGGGAGTGGAGAGGGCGGC-3'
Protein context (NP_733821.1, residues 106-126): LSKVREEFKE[Leu116=]KARNTKKEGD